The following is an entry in ClinVar:

NM_001267550.2(TTN):c.5760G>A (p.Val1920=)

Gene: TTN (titin; minus strand). Cytogenetic location: 2q31.2.
Variant type: single nucleotide variant.
Coding change: c.5760G>A on transcript NM_001267550.2 (MANE Select); coding-DNA position 5760, G replaced by A.
Protein change: p.Val1920=; no amino-acid change (valine 1920 retained).
Molecular consequence: synonymous variant.
Genome position (GRCh38, 1-based): chr2:178,776,104, C>T on the plus strand (G>A on the coding strand, the complement: TTN is on the minus strand). VCF-style: chr2-178776104-C-T. GRCh37 (hg19) VCF-style: chr2-179640831-C-T.
Other names: c.5760G>A, p.Val1920= (NM_001256850.1, NM_133378.4, NM_133379.5); c.5622G>A, p.Val1874= (NM_003319.4, NM_133432.3, NM_133437.4).
Identifiers: ClinVar variation 1078290 (VCV001078290.13), dbSNP rs1291703322, ClinGen allele CA430280380.

ClinVar aggregate classification (germline): Likely benign. Review status: criteria provided, multiple submitters, no conflicts (2 of 4 stars). 4 submissions from 4 submitters: Likely benign (4). Last evaluated 2026-03-27.

Conditions:
Autosomal recessive limb-girdle muscular dystrophy type 2J (LGMDR10). Also called: MUSCULAR DYSTROPHY, LIMB-GIRDLE, AUTOSOMAL RECESSIVE 10; Limb-girdle muscular dystrophy, type 2J. Identifiers: Orphanet 140922, MedGen C1837342, MONDO:0012127, OMIM 608807.
Dilated cardiomyopathy 1G (CMD1G). Identifiers: Orphanet 154, MedGen C1858763, MONDO:0011400, OMIM 604145.
Cardiovascular phenotype. Identifiers: MedGen CN230736.

Allele frequency attached by ClinVar (database versions not stated): gnomAD exomes below 0.00001 and 0.00001.
gnomAD v4.1: 4 of 1,614,156 alleles (0.00025%); highest among the groups gnomAD compares: Non-Finnish European, 0.00034%; no homozygotes.

Submissions (4):

Molecular Diagnostic Laboratory for Inherited Cardiovascular Disease, Montreal Heart Institute
Classification: Likely benign. Last evaluated: 2026-03-27. Review status: criteria provided, single submitter. Criteria: ACMG Guidelines, 2015. Collection method: clinical testing. Allele origin: germline. Affected: no.
Comment: BP7

Blueprint Genetics
Classification: Likely benign. Last evaluated: 2023-02-14. Review status: criteria provided, single submitter. Criteria: ACMG Guidelines, 2015. Collection method: clinical testing. Allele origin: germline.

Ambry Genetics
Classification: Likely benign for Cardiovascular phenotype. Last evaluated: 2021-10-06. Review status: criteria provided, single submitter. Criteria: Ambry Variant Classification Scheme 2023. Collection method: clinical testing. Allele origin: germline.

Labcorp Genetics (formerly Invitae), Labcorp
Classification: Likely benign for Dilated cardiomyopathy 1G; Autosomal recessive limb-girdle muscular dystrophy type 2J. Last evaluated: 2020-02-17. Review status: criteria provided, single submitter. Criteria: Invitae Variant Classification Sherloc (09022015). Collection method: clinical testing. Allele origin: germline.